The following is an entry in ClinVar:

ClinVar aggregate classification (germline): Uncertain significance. Review status: criteria provided, multiple submitters, no conflicts (2 of 4 stars). 3 submissions from 3 submitters: Uncertain significance (2). 1 of the submissions does not count toward it. Last evaluated 2025-06-03.

Conditions:
Eichsfeld type congenital muscular dystrophy (CMYO3). Also called: Rigid spine muscular dystrophy 1; MYOPATHY, SEPN1-RELATED; SELENON-related myopathy; Congenital myopathy 3 with rigid spine. Identifiers: MedGen C0410180, MONDO:0100100, OMIM 602771.
Inborn genetic diseases. Identifiers: MedGen C0950123, MeSH D030342.

Allele frequency attached by ClinVar (database versions not stated): TOPMed 0.00003; 1000 Genomes Project 30x 0.00031.
gnomAD v4.1: 21 of 1,613,640 alleles (0.0013%); highest among the groups gnomAD compares: South Asian, 0.0044%; no homozygotes.

Submissions (3):

Ambry Genetics
Classification: Uncertain significance for Inborn genetic diseases. Last evaluated: 2025-06-03. Review status: criteria provided, single submitter. Criteria: Ambry Variant Classification Scheme 2023. Collection method: clinical testing. Allele origin: germline.

Labcorp Genetics (formerly Invitae), Labcorp
Classification: Uncertain significance for Eichsfeld type congenital muscular dystrophy. Last evaluated: 2021-11-12. Review status: criteria provided, single submitter. Criteria: Invitae Variant Classification Sherloc (09022015). Collection method: clinical testing. Allele origin: germline.
Comment: This sequence change replaces alanine, which is neutral and non-polar, with threonine, which is neutral and polar, at codon 194 of the SELENON protein (p.Ala194Thr). This variant is present in population databases (rs560203077, gnomAD 0.006%). This variant has not been reported in the literature in individuals affected with SELENON-related conditions. ClinVar contains an entry for this variant (Variation ID: 1050487). Algorithms developed to predict the effect of missense changes on protein structure and function are either unavailable or do not agree on the potential impact of this missense change (SIFT: "Tolerated"; PolyPhen-2: "Possibly Damaging"; Align-GVGD: "Class C0"). In summary, the available evidence is currently insufficient to determine the role of this variant in disease. Therefore, it has been classified as a Variant of Uncertain Significance.

Department of Pathology and Laboratory Medicine, Sinai Health System
Classification: Uncertain significance. Review status: no assertion criteria provided. Collection method: clinical testing. Allele origin: unknown. Affected: yes. Study: The Canadian Open Genetics Repository (COGR). Not counted in ClinVar's aggregate classification.
Comment: The SELENON p.A160T variant was not identified in the literature nor was it identified in ClinVar, Cosmic, or LOVD 3.0. The variant was identified in dbSNP (ID: rs560203077) and in control databases in 3 of 247786 chromosomes (0 homozygous) at a frequency of 0.000012 (Genome Aggregation Database March 6, 2019, v2.1.1). The variant was observed in the following populations: South Asian in 2 of 30598 chromosomes (freq: 0.000065) and European (non-Finnish) in 1 of 111930 chromosomes (freq: 0.000009), but was not observed in the African, Latino, Ashkenazi Jewish, East Asian, European (Finnish) or Other populations. The p.Ala160 residue is conserved in mammals but not in more distantly related organisms however four out of five computational analyses (PolyPhen-2, SIFT, AlignGVGD, BLOSUM, MutationTaster) do not suggest a high likelihood of impact to the protein; this information is not predictive enough to rule out pathogenicity. The variant occurs outside of the splicing consensus sequence and in silico or computational prediction software programs (SpliceSiteFinder, MaxEntScan, NNSPLICE, GeneSplicer) do not predict a difference in splicing. In summary, based on the above information the clinical significance of this variant cannot be determined with certainty at this time. This variant is classified as a variant of uncertain significance.

NM_206926.2(SELENON):c.478G>A (p.Ala160Thr)

Gene: SELENON (selenoprotein N; plus strand). Cytogenetic location: 1p36.11.
Variant type: single nucleotide variant.
Coding change: c.478G>A on transcript NM_206926.2 (MANE Select); coding-DNA position 478, G replaced by A.
Protein change: p.Ala160Thr; replaces alanine 160 with threonine.
Molecular consequence: missense variant.
Genome position (GRCh38, 1-based): chr1:25,808,622, G>A. VCF-style: chr1-25808622-G-A. GRCh37 (hg19) VCF-style: chr1-26135113-G-A.
Other names: c.580G>A, p.Ala194Thr (NM_020451.3); c.580G>A (NM_020451.2); short protein forms A160T, A194T.
Identifiers: ClinVar variation 1050487 (VCV001050487.5), dbSNP rs560203077, ClinGen allele CA696569.
Genomic context (GRCh38, chr1:25,808,622, plus strand): 5'-TGCTTTCCCCCGCCCCAGGTCTCCCGCCTCGCCCTGTCCGGCCTCCGAAACTGGACAGCC[G>A]CCGCCTCACCAAGTGCAGTGTTTGCCACCCGCCACTTCCAGCCCTTCCTTCCCCCGCCAG-3'
Protein context (NP_996809.1, residues 150-170): ALSGLRNWTA[Ala160Thr]ASPSAVFATR